The following is an entry in ClinVar:

NM_016356.5(DCDC2):c.769C>T (p.Arg257Cys)

Gene: DCDC2 (doublecortin domain containing 2; minus strand). Cytogenetic location: 6p22.3.
Variant type: single nucleotide variant.
Coding change: c.769C>T on transcript NM_016356.5 (MANE Select); coding-DNA position 769, C replaced by T.
Protein change: p.Arg257Cys; replaces arginine 257 with cysteine.
Molecular consequence: missense variant.
Genome position (GRCh38, 1-based): chr6:24,278,202, G>A on the plus strand (C>T on the coding strand, the complement: DCDC2 is on the minus strand). VCF-style: chr6-24278202-G-A. GRCh37 (hg19) VCF-style: chr6-24278430-G-A.
Other names: c.769C>T, p.Arg257Cys (NM_001195610.2); c.769C>T (NM_016356.4); short protein forms R257C.
Identifiers: ClinVar variation 523063 (VCV000523063.9), dbSNP rs909339162, ClinGen allele CA136634455.

ClinVar aggregate classification (germline): Uncertain significance. Review status: criteria provided, multiple submitters, no conflicts (2 of 4 stars). 4 submissions from 4 submitters: Uncertain significance (4). Last evaluated 2025-03-17.

Conditions:
Nephronophthisis 19 (NPHP19). Identifiers: Orphanet 84081, MedGen C4015542, MONDO:0014537, OMIM 616217.
Isolated neonatal sclerosing cholangitis (NSC). Also called: Sclerosing cholangitis, neonatal. Identifiers: Orphanet 480556, MedGen C4479344, MONDO:0018816, OMIM 617394.
Autosomal recessive nonsyndromic hearing loss 66 (DFNB66). Also called: Deafness, autosomal recessive 66. Identifiers: Orphanet 90636, MedGen C1857750, MONDO:0012442, OMIM 610212.

Allele frequency attached by ClinVar (database versions not stated): gnomAD exomes 0.00002; gnomAD 0.00003; TOPMed 0.00008.

Submissions (4):

GeneDx
Classification: Uncertain significance. Last evaluated: 2025-03-17. Review status: criteria provided, single submitter. Criteria: GeneDx Variant Classification Process June 2021. Collection method: clinical testing. Allele origin: germline. Affected: yes.
Comment: In silico analysis supports that this missense variant has a deleterious effect on protein structure/function; Has not been previously published as pathogenic or benign to our knowledge; This variant is associated with the following publications: (PMID: 31589614)

Fulgent Genetics
Classification: Uncertain significance for Autosomal recessive nonsyndromic hearing loss 66; Nephronophthisis 19; Isolated neonatal sclerosing cholangitis. Last evaluated: 2024-05-23. Review status: criteria provided, single submitter. Criteria: ACMG Guidelines, 2015. Collection method: clinical testing. Allele origin: germline.

Labcorp Genetics (formerly Invitae), Labcorp
Classification: Uncertain significance for Autosomal recessive nonsyndromic hearing loss 66; Isolated neonatal sclerosing cholangitis. Last evaluated: 2021-12-22. Review status: criteria provided, single submitter. Criteria: Invitae Variant Classification Sherloc (09022015). Collection method: clinical testing. Allele origin: germline.
Comment: In summary, the available evidence is currently insufficient to determine the role of this variant in disease. Therefore, it has been classified as a Variant of Uncertain Significance. Algorithms developed to predict the effect of missense changes on protein structure and function are either unavailable or do not agree on the potential impact of this missense change (SIFT: "Deleterious"; PolyPhen-2: "Probably Damaging"; Align-GVGD: "Class C0"). ClinVar contains an entry for this variant (Variation ID: 523063). This variant has not been reported in the literature in individuals affected with DCDC2-related conditions. This variant is present in population databases (no rsID available, gnomAD 0.01%). This sequence change replaces arginine, which is basic and polar, with cysteine, which is neutral and slightly polar, at codon 257 of the DCDC2 protein (p.Arg257Cys).

Genomic Research Center, Shahid Beheshti University of Medical Sciences
Classification: Uncertain significance for Nephronophthisis 19. Last evaluated: 2020-05-03. Review status: criteria provided, single submitter. Criteria: ACMG Guidelines, 2015. Collection method: clinical testing. Allele origin: unknown.